The following is an entry in ClinVar:

ClinVar aggregate classification (germline): Uncertain significance (1 of 4 stars; one submission).

Conditions:
Inborn genetic diseases. Identifiers: MedGen C0950123, MeSH D030342.

Submission:

Ambry Genetics
Classification: Uncertain significance for Inborn genetic diseases. Last evaluated: 2025-12-07. Review status: criteria provided, single submitter. Criteria: Ambry Variant Classification Scheme 2023. Collection method: clinical testing. Allele origin: germline.
Comment: The p.V292L variant (also known as c.874G>C), located in coding exon 7 of the BUB1B gene, results from a G to C substitution at nucleotide position 874. The valine at codon 292 is replaced by leucine, an amino acid with highly similar properties. This amino acid position is conserved. In addition, this alteration is predicted to be tolerated by in silico analysis. Since supporting evidence is limited at this time, the clinical significance of this alteration remains unclear.

NM_001211.6(BUB1B):c.874G>C (p.Val292Leu)

Gene: BUB1B (BUB1 mitotic checkpoint serine/threonine kinase B; plus strand). Cytogenetic location: 15q15.1.
Variant type: single nucleotide variant.
Coding change: c.874G>C on transcript NM_001211.6 (MANE Select); coding-DNA position 874, G replaced by C.
Protein change: p.Val292Leu; replaces valine 292 with leucine.
Molecular consequence: missense variant.
Genome position (GRCh38, 1-based): chr15:40,185,287, G>C. VCF-style: chr15-40185287-G-C. GRCh37 (hg19) VCF-style: chr15-40477488-G-C.
Other names: short protein forms V292L.
Identifiers: ClinVar variation 1764533 (VCV001764533.3), dbSNP rs760345452, ClinGen allele CA7475585.
Genomic context (GRCh38, chr15:40,185,287, plus strand): 5'-ATTACTGTTTTTGATGAAAATGCTGATGAGGCTTCTACAGCAGAGTTGTCTAAGCCTACA[G>C]TCCAGCCATGGATAGCACCCCCCATGCCCAGGGCCAAAGAGAATGAGCTGCAAGCAGGCC-3'
Protein context (NP_001202.5, residues 282-302): ASTAELSKPT[Val292Leu]QPWIAPPMPR